The following is an entry in ClinVar:

NM_001204.7(BMPR2):c.1993A>G (p.Thr665Ala)

Gene: BMPR2 (bone morphogenetic protein receptor type 2; plus strand). Cytogenetic location: 2q33.2.
Variant type: single nucleotide variant.
Coding change: c.1993A>G on transcript NM_001204.7 (MANE Select); coding-DNA position 1993, A replaced by G.
Protein change: p.Thr665Ala; replaces threonine 665 with alanine.
Molecular consequence: missense variant.
Genome position (GRCh38, 1-based): chr2:202,555,658, A>G. VCF-style: chr2-202555658-A-G. GRCh37 (hg19) VCF-style: chr2-203420381-A-G.
Other names: short protein forms T665A.
Identifiers: ClinVar variation 3481254 (VCV003481254.1).

ClinVar aggregate classification (germline): Uncertain significance (1 of 4 stars; one submission).

Conditions:
Inborn genetic diseases. Identifiers: MedGen C0950123, MeSH D030342.

gnomAD v4.1: 9 of 1,614,048 alleles (0.00056%); highest among the groups gnomAD compares: Non-Finnish European, 0.00076%; no homozygotes.

Submission:

Ambry Genetics
Classification: Uncertain significance for Inborn genetic diseases. Last evaluated: 2024-11-28. Review status: criteria provided, single submitter. Criteria: Ambry Variant Classification Scheme 2023. Collection method: clinical testing. Allele origin: germline.
Comment: The p.T665A variant (also known as c.1993A>G), located in coding exon 12 of the BMPR2 gene, results from an A to G substitution at nucleotide position 1993. The threonine at codon 665 is replaced by alanine, an amino acid with similar properties. This amino acid position is conserved. In addition, the in silico prediction for this alteration is inconclusive. Based on the available evidence, the clinical significance of this variant remains unclear.